The following is an entry in ClinVar:

ClinVar aggregate classification (germline): Conflicting classifications of pathogenicity. Review status: criteria provided, conflicting classifications (1 of 4 stars). 2 submissions from 2 submitters: Uncertain significance (1); Likely benign (1). Last evaluated 2024-09-20.

Conditions:
Very long chain acyl-CoA dehydrogenase deficiency (ACADVLD). Also called: VLCAD Deficiency; Very Long-Chain Acyl-Coenzyme A Dehydrogenase Deficiency. Identifiers: Orphanet 26793, MedGen C3887523, MONDO:0008723, OMIM 201475.

Allele frequency attached by ClinVar (database versions not stated): TOPMed 0.00003; ExAC 0.00009; gnomAD 0.00002 and 0.00001; gnomAD exomes 0.00005 and 0.00004.
gnomAD v4.1: 59 of 1,599,786 alleles (0.0037%); highest among the groups gnomAD compares: East Asian, 0.13%; no homozygotes.

Submissions (2):

3billion
Classification: Likely benign for Very long chain acyl-CoA dehydrogenase deficiency. Last evaluated: 2024-09-20. Review status: criteria provided, single submitter. Criteria: ACMG Guidelines, 2015. Collection method: clinical testing. Allele origin: germline. Affected: no.
Comment: The homozygous variant was found in patients diagnosed with another variant in a different gene, with no symptoms related to the gene containing the homozygous variant.

Eurofins Ntd Llc (ga)
Classification: Uncertain significance. Last evaluated: 2017-10-18. Review status: criteria provided, single submitter. Criteria: EGL Classification Definitions 2015. Collection method: clinical testing. Allele origin: germline. Observed: 1 variant allele, 1 heterozygote.

NM_000018.4(ACADVL):c.-11G>T

Genes: ACADVL (acyl-CoA dehydrogenase very long chain; plus strand), DLG4 (discs large MAGUK scaffold protein 4; minus strand). Cytogenetic location: 17p13.1.
Variant type: single nucleotide variant.
Coding change: c.-11G>T on transcript NM_000018.4 (MANE Select); 11 bases upstream of the start codon, G replaced by T.
Molecular consequence: 5 prime UTR variant. On other transcripts: non-coding transcript variant (1), intron variant (1).
Genome position (GRCh38, 1-based): chr17:7,219,974, G>T. VCF-style: chr17-7219974-G-T. GRCh37 (hg19) VCF-style: chr17-7123293-G-T.
Other names: c.-1125C>A (NM_001321074.1); c.-11G>T (NM_001033859.3); c.-314G>T (NM_001270448.2); c.132-148G>T (NM_001270447.2).
Identifiers: ClinVar variation 594363 (VCV000594363.8), dbSNP rs780021266, ClinGen allele CA8337506.